The following is an entry in ClinVar:

ClinVar aggregate classification (germline): Likely benign (1 of 4 stars; one submission).

Submission:

CeGaT Center for Human Genetics Tuebingen
Classification: Likely benign. Last evaluated: 2022-05-01. Review status: criteria provided, single submitter. Criteria: CeGaT Center For Human Genetics Tuebingen Variant Classification Criteria Version 2. Collection method: clinical testing. Allele origin: germline. Affected: yes. Observed: 1 variant allele.
Comment: PAX7: PM2:Supporting, BP4, BP7

NM_001135254.2(PAX7):c.651G>A (p.Gln217=)

Gene: PAX7 (paired box 7; plus strand). Cytogenetic location: 1p36.13.
Variant type: single nucleotide variant.
Coding change: c.651G>A on transcript NM_001135254.2 (MANE Select); coding-DNA position 651, G replaced by A.
Protein change: p.Gln217=; no amino-acid change (glutamine 217 retained).
Molecular consequence: synonymous variant.
Genome position (GRCh38, 1-based): chr1:18,691,818, G>A. VCF-style: chr1-18691818-G-A. GRCh37 (hg19) VCF-style: chr1-19018312-G-A.
Other names: c.651G>A, p.Gln217= (NM_002584.3); c.645G>A, p.Gln215= (NM_013945.3).
Identifiers: ClinVar variation 2638404 (VCV002638404.24), dbSNP rs2521887039, ClinGen allele CA416424485.